The following is an entry in ClinVar:

NM_001377265.1(MAPT):c.216G>A (p.Ala72=)

Gene: MAPT (microtubule associated protein tau). Cytogenetic location: 17q21.31.
Variant type: single nucleotide variant.
Coding change: c.216G>A on transcript NM_001377265.1 (MANE Select); coding-DNA position 216, G replaced by A.
Protein change: p.Ala72=; no amino-acid change (alanine 72 retained).
Molecular consequence: synonymous variant. On other transcripts: non-coding transcript variant (1), intron variant (3).
Genome position (GRCh38, 1-based): chr17:45,971,941, G>A. VCF-style: chr17-45971941-G-A. GRCh37 (hg19) VCF-style: chr17-44049307-G-A.
Other names: c.216G>A, p.Ala72= (NM_001123066.4, NM_001123067.4, NM_001203251.2 and 5 more transcripts); c.134-6434G>A (NM_001377268.1, NM_016834.5, NM_016841.5).
Identifiers: ClinVar variation 1945687 (VCV001945687.9), dbSNP rs781640412, ClinGen allele CA8617550.

ClinVar aggregate classification (germline): Likely benign. Review status: criteria provided, multiple submitters, no conflicts (2 of 4 stars). 2 submissions from 2 submitters: Likely benign (2). Last evaluated 2026-02-01.

Conditions:
Frontotemporal dementia (FTD1). Also called: Frontotemporal Dementia with Parkinsonism-17 (FTDP-17); FRONTOTEMPORAL DEMENTIA WITH PARKINSONISM; FRONTOTEMPORAL LOBE DEMENTIA; MULTIPLE SYSTEM TAUOPATHY WITH PRESENILE DEMENTIA; Dementia, frontotemporal, with or without parkinsonism; FTLD WITH TAU INCLUSIONS. Identifiers: Orphanet 282, MedGen C0338451, MONDO:0017276, OMIM 600274, HP:0002145.

Allele frequency attached by ClinVar (database versions not stated): gnomAD exomes 0.00001; TOPMed 0.00001; ExAC 0.00002; gnomAD 0.00002.
gnomAD v4.1: 23 of 1,613,796 alleles (0.0014%); highest among the groups gnomAD compares: Admixed American, 0.012%; no homozygotes.

Submissions (2):

CeGaT Center for Human Genetics Tuebingen
Classification: Likely benign. Last evaluated: 2026-02-01. Review status: criteria provided, single submitter. Criteria: CeGaT Center For Human Genetics Tuebingen Variant Classification Criteria Version 2. Collection method: clinical testing. Allele origin: germline. Affected: yes. Observed: 1 variant allele.
Comment: MAPT: BP4, BP7

Labcorp Genetics (formerly Invitae), Labcorp
Classification: Likely benign for Frontotemporal dementia. Last evaluated: 2024-02-27. Review status: criteria provided, single submitter. Criteria: Invitae Variant Classification Sherloc (09022015). Collection method: clinical testing. Allele origin: germline.